The following is an entry in ClinVar:

NM_001374736.1(DST):c.20783T>C (p.Met6928Thr)

Gene: DST (dystonin; minus strand). Cytogenetic location: 6p12.1.
Variant type: single nucleotide variant.
Coding change: c.20783T>C on transcript NM_001374736.1 (MANE Select); coding-DNA position 20783, T replaced by C.
Protein change: p.Met6928Thr; replaces methionine 6928 with threonine.
Molecular consequence: missense variant.
Genome position (GRCh38, 1-based): chr6:56,489,584, A>G on the plus strand (T>C on the coding strand, the complement: DST is on the minus strand). VCF-style: chr6-56489584-A-G. GRCh37 (hg19) VCF-style: chr6-56354382-A-G.
Other names: c.14426T>C, p.Met4809Thr (NM_001144769.5); c.14012T>C, p.Met4671Thr (NM_001144770.2); c.20783T>C, p.Met6928Thr (NM_001374722.1); c.19823T>C, p.Met6608Thr (NM_001374729.1); c.13565T>C, p.Met4522Thr (NM_001374730.1); c.20810T>C, p.Met6937Thr (NM_001374734.1); c.12914T>C, p.Met4305Thr (NM_015548.5); c.13892T>C, p.Met4631Thr (NM_183380.4); short protein forms M4809T, M6928T, M4522T, M6937T, M4671T, M6608T, M4305T, M4631T.
Identifiers: ClinVar variation 968049 (VCV000968049.7), dbSNP rs763176568, ClinGen allele CA3866666.

ClinVar aggregate classification (germline): Uncertain significance (1 of 4 stars; one submission).

Conditions:
Hereditary sensory and autonomic neuropathy type 6. Also called: Neuropathy, hereditary sensory and autonomic, type VI; HSAN VI. Identifiers: Orphanet 314381, MedGen C3539003, MONDO:0013839, OMIM 614653.
Epidermolysis bullosa simplex 3, localized or generalized intermediate, with BP230 deficiency (EBS3). Also called: Epidermolysis bullosa simplex, autosomal recessive 2; Epidermolysis bullosa simplex due to BP230 deficiency. Identifiers: Orphanet 412181, MedGen C3809470, MONDO:0014180, OMIM 615425.

Allele frequency attached by ClinVar (database versions not stated): TOPMed 0.00006.
gnomAD v4.1: 17 of 1,612,676 alleles (0.0011%); highest among the groups gnomAD compares: East Asian, 0.0089%; no homozygotes.

Submission:

Labcorp Genetics (formerly Invitae), Labcorp
Classification: Uncertain significance for Epidermolysis bullosa simplex 3, localized or generalized intermediate, with BP230 deficiency; Hereditary sensory and autonomic neuropathy type 6. Last evaluated: 2022-10-24. Review status: criteria provided, single submitter. Criteria: Invitae Variant Classification Sherloc (09022015). Collection method: clinical testing. Allele origin: germline.
Comment: The DST gene has multiple clinically relevant transcripts. This variant occurs in alternate transcript 015548.4, and corresponds to NM_001723.5:c.*125933T>C in the primary transcript. This sequence change replaces methionine, which is neutral and non-polar, with threonine, which is neutral and polar, at codon 4305 of the DST protein (p.Met4305Thr). This variant is present in population databases (rs763176568, gnomAD 0.009%). This variant has not been reported in the literature in individuals affected with DST-related conditions. Experimental studies and prediction algorithms are not available or were not evaluated, and the functional significance of this variant is currently unknown. In summary, the available evidence is currently insufficient to determine the role of this variant in disease. Therefore, it has been classified as a Variant of Uncertain Significance.